The following is an entry in ClinVar:

ClinVar aggregate classification (germline): Uncertain significance. Review status: criteria provided, multiple submitters, no conflicts (2 of 4 stars). 2 submissions from 2 submitters: Uncertain significance (2). Last evaluated 2024-02-07.

Conditions:
Breast-ovarian cancer, familial, susceptibility to, 4. Identifiers: Orphanet 145, MedGen C3280345, MONDO:0013669, OMIM 614291.
Hereditary cancer-predisposing syndrome. Also called: Neoplastic Syndromes, Hereditary; Hereditary Cancer Syndrome; Hereditary neoplastic syndrome; Tumor predisposition. Identifiers: Orphanet 140162, MedGen C0027672, MeSH D009386, MONDO:0015356.

Submissions (2):

Ambry Genetics
Classification: Uncertain significance for Hereditary cancer-predisposing syndrome. Last evaluated: 2024-02-07. Review status: criteria provided, single submitter. Criteria: Ambry Variant Classification Scheme 2023. Collection method: clinical testing. Allele origin: germline.
Comment: The p.A34T variant (also known as c.100G>A), located in coding exon 2 of the RAD51D gene, results from a G to A substitution at nucleotide position 100. The alanine at codon 34 is replaced by threonine, an amino acid with similar properties. This amino acid position is well conserved in available vertebrate species. In addition, this alteration is predicted to be tolerated by in silico analysis. Since supporting evidence is limited at this time, the clinical significance of this alteration remains unclear.

Labcorp Genetics (formerly Invitae), Labcorp
Classification: Uncertain significance for Breast-ovarian cancer, familial, susceptibility to, 4. Last evaluated: 2017-12-04. Review status: criteria provided, single submitter. Criteria: Invitae Variant Classification Sherloc (09022015). Collection method: clinical testing. Allele origin: germline.
Comment: This variant has not been reported in the literature in individuals with RAD51D-related disease. This variant is not present in population databases (ExAC no frequency). This sequence change replaces alanine with threonine at codon 34 of the RAD51D protein (p.Ala34Thr). The alanine residue is moderately conserved and there is a small physicochemical difference between alanine and threonine. Algorithms developed to predict the effect of missense changes on protein structure and function (SIFT, PolyPhen-2, Align-GVGD) all suggest that this variant is likely to be tolerated, but these predictions have not been confirmed by published functional studies and their clinical significance is uncertain. In summary, the available evidence is currently insufficient to determine the role of this variant in disease. Therefore, it has been classified as a Variant of Uncertain Significance.

NM_002878.4(RAD51D):c.100G>A (p.Ala34Thr)

Genes: RAD51D (RAD51 paralog D; minus strand), RAD51L3-RFFL (RAD51L3-RFFL readthrough; minus strand). Cytogenetic location: 17q12.
Variant type: single nucleotide variant.
Coding change: c.100G>A on transcript NM_002878.4 (MANE Select); coding-DNA position 100, G replaced by A.
Protein change: p.Ala34Thr; replaces alanine 34 with threonine.
Molecular consequence: missense variant. On other transcripts: non-coding transcript variant (2).
Genome position (GRCh38, 1-based): chr17:35,119,155, C>T on the plus strand (G>A on the coding strand, the complement: RAD51D is on the minus strand). VCF-style: chr17-35119155-C-T. GRCh37 (hg19) VCF-style: chr17-33446174-C-T.
Other names: c.100G>A, p.Ala34Thr (NM_001142571.2, NM_133629.3); short protein forms A34T.
Identifiers: ClinVar variation 539852 (VCV000539852.9), dbSNP rs1555570419, ClinGen allele CA399091967.